The following is an entry in ClinVar:

NM_000246.4(CIITA):c.2448C>T (p.Ala816=)

Gene: CIITA (class II major histocompatibility complex transactivator; plus strand). Cytogenetic location: 16p13.13.
Variant type: single nucleotide variant.
Coding change: c.2448C>T on transcript NM_000246.4 (MANE Select); coding-DNA position 2448, C replaced by T.
Protein change: p.Ala816=; no amino-acid change (alanine 816 retained).
Molecular consequence: synonymous variant. On other transcripts: intron variant (1).
Genome position (GRCh38, 1-based): chr16:10,907,940, C>T. VCF-style: chr16-10907940-C-T. GRCh37 (hg19) VCF-style: chr16-11001797-C-T.
Other names: c.2451C>T, p.Ala817= (NM_001286402.1, NM_001379332.1); c.2304C>T, p.Ala768= (NM_001379330.1); c.2301C>T, p.Ala767= (NM_001379331.1); c.2448C>T, p.Ala816= (NM_001379333.1); c.2379C>T, p.Ala793= (NM_001379334.1); c.860-1043C>T (NM_001286403.2).
Identifiers: ClinVar variation 459195 (VCV000459195.44), dbSNP rs112250421, ClinGen allele CA7900379.

ClinVar aggregate classification (germline): Benign/Likely benign. Review status: criteria provided, multiple submitters, no conflicts (2 of 4 stars). 8 submissions from 8 submitters: Benign (2); Likely benign (4). 2 of the submissions do not count toward it. Last evaluated 2026-04-20.

Conditions:
MHC class II deficiency. Also called: Bare lymphocyte syndrome 2; BLS, TYPE II. Identifiers: Orphanet 572, MedGen C5447452, MONDO:0008855.

Allele frequency attached by ClinVar (database versions not stated): 1000 Genomes Project 0.00060; 1000 Genomes Project 30x 0.00062; gnomAD exomes 0.00251; ExAC 0.00261; gnomAD 0.00261 and 0.00272; TOPMed 0.00264; ESP Exome Variant Server 0.00370.
gnomAD v4.1: 6,759 of 1,562,952 alleles (0.43%); highest among the groups gnomAD compares: Non-Finnish European, 0.53%; 24 homozygotes.

Submissions (8):

Women's Health and Genetics/Laboratory Corporation of America, LabCorp
Classification: Benign. Last evaluated: 2026-04-20. Review status: criteria provided, single submitter. Criteria: LabCorp Variant Classification Summary - May 2015. Collection method: clinical testing. Allele origin: germline.

CeGaT Center for Human Genetics Tuebingen
Classification: Likely benign. Last evaluated: 2026-02-01. Review status: criteria provided, single submitter. Criteria: CeGaT Center For Human Genetics Tuebingen Variant Classification Criteria Version 2. Collection method: clinical testing. Allele origin: germline. Affected: yes. Observed: 4 variant alleles.
Comment: CIITA: BP4, BP7, BS2

Labcorp Genetics (formerly Invitae), Labcorp
Classification: Benign for MHC class II deficiency. Last evaluated: 2026-01-27. Review status: criteria provided, single submitter. Criteria: Invitae Variant Classification Sherloc (09022015). Collection method: clinical testing. Allele origin: germline.

Blueprint Genetics
Classification: Likely benign. Last evaluated: 2024-11-19. Review status: criteria provided, single submitter. Criteria: ACMG Guidelines, 2015. Collection method: clinical testing. Allele origin: germline.

Illumina Laboratory Services, Illumina
Classification: Likely benign for MHC class II deficiency 1. Last evaluated: 2018-01-13. Review status: criteria provided, single submitter. Criteria: ICSL Variant Classification Criteria 13 December 2019. Collection method: clinical testing. Allele origin: germline.
Comment: This variant was observed in the ICSL laboratory as part of a predisposition screen in an ostensibly healthy population. It had not been previously curated by ICSL or reported in the Human Gene Mutation Database (HGMD: prior to June 1st, 2018), and was therefore a candidate for classification through an automated scoring system. Utilizing variant allele frequency, disease prevalence and penetrance estimates, and inheritance mode, an automated score was calculated to assess if this variant is too frequent to cause the disease. Based on the score and internal cut-off values, a variant classified as likely benign is not then subjected to further curation. The score for this variant resulted in a classification of likely benign for this disease.

Breakthrough Genomics
Classification: Likely benign. Review status: criteria provided, single submitter. Criteria: ACMG Guidelines, 2015. Collection method: not provided. Allele origin: germline. Inheritance: Autosomal recessive inheritance. Affected: yes.

Clinical Genetics DNA and cytogenetics Diagnostics Lab, Erasmus MC, Erasmus Medical Center
Classification: Likely benign. Review status: no assertion criteria provided. Collection method: clinical testing. Allele origin: germline. Affected: yes. Study: VKGL Data-share Consensus. Not counted in ClinVar's aggregate classification.

Genome Diagnostics Laboratory, University Medical Center Utrecht
Classification: Likely benign. Review status: no assertion criteria provided. Collection method: clinical testing. Allele origin: germline. Affected: yes. Study: VKGL Data-share Consensus. Not counted in ClinVar's aggregate classification.